The following is an entry in ClinVar:

ClinVar aggregate classification (germline): Uncertain significance. Review status: criteria provided, multiple submitters, no conflicts (2 of 4 stars). 6 submissions from 6 submitters: Uncertain significance (6). Last evaluated 2026-08-10.

Conditions:
MYBPC3-related disorder. Also called: MYBPC3-related disorders; MYBPC3-related condition; MYBPC3-related disease.
Cardiomyopathy (CMYO). Also called: Cardiomyopathies. Identifiers: Orphanet 167848, MedGen C0878544, MONDO:0004994, HP:0001638. Inheritance: Various modes of inheritance.
Hypertrophic cardiomyopathy. Also called: HYPERTROPHIC MYOCARDIOPATHY. Identifiers: Orphanet 217569, MedGen C0007194, MeSH D002312, MONDO:0005045, HP:0001639.
Cardiovascular phenotype. Identifiers: MedGen CN230736.

Allele frequency attached by ClinVar (database versions not stated): gnomAD exomes 0.00001 and 0.00002; TOPMed 0.00001; ExAC 0.00003.
gnomAD v4.1: 19 of 1,613,088 alleles (0.0012%); highest among the groups gnomAD compares: Non-Finnish European, 0.0014%; no homozygotes.

Submissions (6):

Ambry Genetics
Classification: Uncertain significance for Cardiovascular phenotype. Last evaluated: 2026-08-10. Review status: criteria provided, single submitter. Criteria: Ambry Variant Classification Scheme 2023. Collection method: clinical testing. Allele origin: germline.
Comment: The p.R724Q variant (also known as c.2171G>A), located in coding exon 23 of the MYBPC3 gene, results from a G to A substitution at nucleotide position 2171. The arginine at codon 724 is replaced by glutamine, an amino acid with highly similar properties. This amino acid position is conserved. In addition, the in silico prediction for this alteration is inconclusive. Based on the available evidence, the clinical significance of this variant remains unclear.

PreventionGenetics, part of Exact Sciences
Classification: Uncertain significance for MYBPC3-related condition. Last evaluated: 2026-03-23. Review status: criteria provided, single submitter. Criteria: ACMG Guidelines, 2015. Collection method: clinical testing. Allele origin: germline.
Comment: The MYBPC3 c.2171G>A variant is predicted to result in the amino acid substitution p.Arg724Gln. This variant was reported in an individual with hypertrophic cardiomyopathy (Table S8, McGurk et al. 2023. PubMed ID: 37652022). This variant is reported in 0.0047% of alleles in individuals of European (Finnish) descent in gnomAD. At this time, the clinical significance of this variant is uncertain due to the absence of conclusive functional and genetic evidence.

Labcorp Genetics (formerly Invitae), Labcorp
Classification: Uncertain significance for Hypertrophic cardiomyopathy. Last evaluated: 2025-09-08. Review status: criteria provided, single submitter. Criteria: Invitae Variant Classification Sherloc (09022015). Collection method: clinical testing. Allele origin: germline.
Comment: This sequence change replaces arginine, which is basic and polar, with glutamine, which is neutral and polar, at codon 724 of the MYBPC3 protein (p.Arg724Gln). This variant is present in population databases (rs756102881, gnomAD 0.005%). This missense change has been observed in individual(s) with hypertrophic cardiomyopathy (PMID: 37652022). ClinVar contains an entry for this variant (Variation ID: 626762). An algorithm developed to predict the effect of missense changes on protein structure and function (PolyPhen-2) suggests that this variant is likely to be disruptive. In summary, the available evidence is currently insufficient to determine the role of this variant in disease. Therefore, it has been classified as a Variant of Uncertain Significance.

All of Us Research Program, National Institutes of Health
Classification: Uncertain significance for Hypertrophic cardiomyopathy. Last evaluated: 2024-04-16. Review status: criteria provided, single submitter. Criteria: ACMG Guidelines, 2015. Collection method: clinical testing. Allele origin: germline. Inheritance: Autosomal dominant inheritance. Observed: 8 variant alleles, 8 heterozygotes.
Comment: This missense variant replaces arginine with glutamine at codon 724 of the MYBPC3 protein. Computational prediction suggests that this variant may have deleterious impact on protein structure and function (internally defined REVEL score threshold >= 0.7, PMID: 27666373). To our knowledge, functional studies have not been reported for this variant. This variant has not been reported in individuals affected with cardiovascular disorders in the literature. This variant has been identified in 4/246828 chromosomes in the general population by the Genome Aggregation Database (gnomAD). The available evidence is insufficient to determine the role of this variant in disease conclusively. Therefore, this variant is classified as a Variant of Uncertain Significance.

This study involves interpretation of variants in research participants for the purpose of population health screening. Participant phenotype was not available at the time of variant classification. Additional details can be found in publication PMID: 35346344, PMCID: PMC8962531

Color Diagnostics, LLC DBA Color Health
Classification: Uncertain significance for Cardiomyopathy. Last evaluated: 2024-03-07. Review status: criteria provided, single submitter. Criteria: ACMG Guidelines, 2015. Collection method: clinical testing. Allele origin: germline.
Comment: This missense variant replaces arginine with glutamine at codon 724 of the MYBPC3 protein. Computational prediction suggests that this variant may have deleterious impact on protein structure and function (internally defined REVEL score threshold >= 0.7, PMID: 27666373). To our knowledge, functional studies have not been reported for this variant. This variant has not been reported in individuals affected with MYBPC3-related disorders in the literature. This variant has been identified in 4/246828 chromosomes in the general population by the Genome Aggregation Database (gnomAD). The available evidence is insufficient to determine the role of this variant in disease conclusively. Therefore, this variant is classified as a Variant of Uncertain Significance.

CHEO Genetics Diagnostic Laboratory, Children's Hospital of Eastern Ontario
Classification: Uncertain significance for Cardiomyopathy. Last evaluated: 2016-07-05. Review status: criteria provided, single submitter. Criteria: ACMG Guidelines, 2015. Collection method: clinical testing. Allele origin: germline. Study: Canadian Open Genetics Repository.

Literature cited by the submitters: PubMed 37652022 (cited by Labcorp Genetics (formerly Invitae), Labcorp).

NM_000256.3(MYBPC3):c.2171G>A (p.Arg724Gln)

Gene: MYBPC3 (myosin binding protein C3; minus strand). Cytogenetic location: 11p11.2.
Variant type: single nucleotide variant.
Coding change: c.2171G>A on transcript NM_000256.3 (MANE Select); coding-DNA position 2171, G replaced by A.
Protein change: p.Arg724Gln; replaces arginine 724 with glutamine.
Molecular consequence: missense variant.
Genome position (GRCh38, 1-based): chr11:47,338,657, C>T on the plus strand (G>A on the coding strand, the complement: MYBPC3 is on the minus strand). VCF-style: chr11-47338657-C-T. GRCh37 (hg19) VCF-style: chr11-47360208-C-T.
Other names: c.2171G>A, p.Arg724Gln (LRG_386t1); short protein forms R724Q.
Identifiers: ClinVar variation 626762 (VCV000626762.14), dbSNP rs756102881, ClinGen allele CA078567.